The following is an entry in ClinVar:

NM_001256545.2(MEGF10):c.2079T>C (p.Gly693=)

Gene: MEGF10 (multiple EGF like domains 10; plus strand). Cytogenetic location: 5q23.2.
Variant type: single nucleotide variant.
Coding change: c.2079T>C on transcript NM_001256545.2 (MANE Select); coding-DNA position 2079, T replaced by C.
Protein change: p.Gly693=; no amino-acid change (glycine 693 retained).
Molecular consequence: synonymous variant.
Genome position (GRCh38, 1-based): chr5:127,435,464, T>C. VCF-style: chr5-127435464-T-C. GRCh37 (hg19) VCF-style: chr5-126771156-T-C.
Other names: c.2079T>C (NM_032446.2); c.2079T>C, p.Gly693= (NM_032446.3).
Identifiers: ClinVar variation 1582875 (VCV001582875.9), dbSNP rs528749140, ClinGen allele CA126960127.

ClinVar aggregate classification (germline): Likely benign. Review status: criteria provided, single submitter (1 of 4 stars). 2 submissions from 2 submitters: Likely benign (1). 1 of the submissions does not count toward it. Last evaluated 2025-07-15.

Conditions:
MEGF10-related disorder. Also called: MEGF10-related condition.
MEGF10-related myopathy (CMYO10A). Also called: Congenital myopathy 10A, severe variant. Identifiers: Orphanet 439212, MedGen C3280679, MONDO:0013731, OMIM 614399.

Allele frequency attached by ClinVar (database versions not stated): gnomAD exomes below 0.00001 and 0.00001; gnomAD 0.00001; TOPMed 0.00002.
gnomAD v4.1: 16 of 1,613,964 alleles (0.00099%); highest among the groups gnomAD compares: African/African-American, 0.013%; no homozygotes.

Submissions (2):

Labcorp Genetics (formerly Invitae), Labcorp
Classification: Likely benign for MEGF10-related myopathy. Last evaluated: 2025-07-15. Review status: criteria provided, single submitter. Criteria: Invitae Variant Classification Sherloc (09022015). Collection method: clinical testing. Allele origin: germline.

PreventionGenetics, part of Exact Sciences
Classification: Likely benign for MEGF10-related condition. Last evaluated: 2024-06-12. Review status: no assertion criteria provided. Collection method: clinical testing. Allele origin: germline. Not counted in ClinVar's aggregate classification.
Comment: This variant is classified as likely benign based on ACMG/AMP sequence variant interpretation guidelines (Richards et al. 2015 PMID: 25741868, with internal and published modifications).